The following is an entry in ClinVar:

NM_003590.5(CUL3):c.1959_1965dup (p.Gly656fs)

Gene: CUL3 (cullin 3; minus strand). Cytogenetic location: 2q36.2.
Variant type: Duplication.
Coding change: c.1959_1965dup on transcript NM_003590.5 (MANE Select); coding-DNA positions 1959 to 1965, 7 bases duplicated (AGAAAAT; older notation c.1959_1965dupAGAAAAT).
Protein change: p.Gly656fs; shifts the reading frame from glycine 656.
Molecular consequence: frameshift variant.
Genome position (GRCh38, 1-based): chr2:224,481,956-224,481,962, ATTTTCT duplicated on the plus strand (AGAAAAT on the coding strand, the reverse complement: CUL3 is on the minus strand); duplicating any 7 consecutive bases within chr2:224,481,956-224,481,966 gives the same sequence; the c. name uses the placement nearest the transcript's 3' end. VCF-style (leftmost placement, unchanged base first): chr2-224481955-C-CATTTTCT. GRCh37 (hg19) VCF-style: chr2-225346672-C-CATTTTCT.
Other names: c.1761_1767dup, p.Gly590fs (NM_001257197.2); c.1977_1983dup, p.Gly662fs (NM_001257198.2); short protein forms G590fs, G656fs, G662fs.
Identifiers: ClinVar variation 4875297 (VCV004875297.2).

ClinVar aggregate classification (germline): Pathogenic (1 of 4 stars; one submission).

Submission:

CeGaT Center for Human Genetics Tuebingen
Classification: Pathogenic. Last evaluated: 2026-06-01. Review status: criteria provided, single submitter. Criteria: CeGaT Center For Human Genetics Tuebingen Variant Classification Criteria Version 2. Collection method: clinical testing. Allele origin: germline. Affected: yes. Observed: 1 variant allele.
Comment: CUL3: PVS1, PM2, PS2:Moderate